The following is an entry in ClinVar:

ClinVar aggregate classification (germline): Likely benign. Review status: criteria provided, multiple submitters, no conflicts (2 of 4 stars). 3 submissions from 3 submitters: Likely benign (3). Last evaluated 2025-11-25.

Conditions:
Hereditary sensory and autonomic neuropathy type 7. Also called: Neuropathy, hereditary sensory and autonomic, type VII; HSAN VII. Identifiers: Orphanet 391397, MedGen C3809882, MONDO:0014244, OMIM 615548.
Familial episodic pain syndrome with predominantly lower limb involvement. Also called: Episodic pain syndrome, familial, 3. Identifiers: Orphanet 391384, Orphanet 391392, MedGen C3809899, MONDO:0014247, OMIM 615552.
SCN11A-related disorder. Also called: SCN11A-related condition.

Allele frequency attached by ClinVar (database versions not stated): gnomAD exomes 0.00003 and 0.00007; ExAC 0.00007; TOPMed 0.00007; ESP Exome Variant Server 0.00008; gnomAD 0.00010 and 0.00012; 1000 Genomes Project 0.00060; 1000 Genomes Project 30x 0.00062.
gnomAD v4.1: 58 of 1,583,254 alleles (0.0037%); highest among the groups gnomAD compares: Admixed American, 0.021%; no homozygotes.

Submissions (3):

Labcorp Genetics (formerly Invitae), Labcorp
Classification: Likely benign for Familial episodic pain syndrome with predominantly lower limb involvement; Hereditary sensory and autonomic neuropathy type 7. Last evaluated: 2025-11-25. Review status: criteria provided, single submitter. Criteria: Invitae Variant Classification Sherloc (09022015). Collection method: clinical testing. Allele origin: germline.

PreventionGenetics, part of Exact Sciences
Classification: Likely benign for SCN11A-related condition. Last evaluated: 2025-06-13. Review status: criteria provided, single submitter. Criteria: ACMG Guidelines, 2015. Collection method: clinical testing. Allele origin: germline.
Comment: This variant is classified as likely benign based on ACMG/AMP sequence variant interpretation guidelines (Richards et al. 2015 PMID: 25741868, with internal and published modifications).

CeGaT Center for Human Genetics Tuebingen
Classification: Likely benign. Last evaluated: 2022-09-01. Review status: criteria provided, single submitter. Criteria: CeGaT Center For Human Genetics Tuebingen Variant Classification Criteria Version 2. Collection method: clinical testing. Allele origin: germline. Affected: yes. Observed: 1 variant allele.
Comment: SCN11A: BP4, BP7

NM_001349253.2(SCN11A):c.408C>T (p.Ile136=)

Gene: SCN11A (sodium voltage-gated channel alpha subunit 11; minus strand). Cytogenetic location: 3p22.2.
Variant type: single nucleotide variant.
Coding change: c.408C>T on transcript NM_001349253.2 (MANE Select); coding-DNA position 408, C replaced by T.
Protein change: p.Ile136=; no amino-acid change (isoleucine 136 retained).
Molecular consequence: synonymous variant.
Genome position (GRCh38, 1-based): chr3:38,945,491, G>A on the plus strand (C>T on the coding strand, the complement: SCN11A is on the minus strand). VCF-style: chr3-38945491-G-A. GRCh37 (hg19) VCF-style: chr3-38986982-G-A.
Other names: c.408C>T, p.Ile136= (NM_014139.3).
Identifiers: ClinVar variation 425293 (VCV000425293.52), dbSNP rs148425367, ClinGen allele CA2322624.